The following is an entry in ClinVar:

ClinVar aggregate classification (germline): Pathogenic. Review status: criteria provided, multiple submitters, no conflicts (2 of 4 stars). 3 submissions from 3 submitters: Pathogenic (3). Last evaluated 2023-08-17.

Conditions:
Hereditary cancer-predisposing syndrome. Also called: Hereditary neoplastic syndrome; Hereditary Cancer Syndrome; Neoplastic Syndromes, Hereditary; Tumor predisposition. Identifiers: Orphanet 140162, MedGen C0027672, MeSH D009386, MONDO:0015356.
Hereditary nonpolyposis colorectal neoplasms. Identifiers: MedGen C0009405, MeSH D003123.
Lynch syndrome 5 (LYNCH5). Also called: Hereditary non-polyposis colorectal cancer, type 5; Colorectal cancer, hereditary nonpolyposis, type 5. Identifiers: Orphanet 144, MedGen C1833477, MONDO:0013710, OMIM 614350. Disease mechanism: loss of function.

Submissions (3):

Myriad Genetics, Inc.
Classification: Pathogenic for Lynch syndrome 5. Last evaluated: 2023-08-17. Review status: criteria provided, single submitter. Criteria: Myriad Autosomal Dominant, Autosomal Recessive and X-Linked Classification Criteria (2023). Collection method: clinical testing. Allele origin: unknown.
Comment: This variant is considered pathogenic. This variant creates a termination codon and is predicted to result in premature protein truncation.

Ambry Genetics
Classification: Pathogenic for Hereditary cancer-predisposing syndrome. Last evaluated: 2021-11-01. Review status: criteria provided, single submitter. Criteria: Ambry Variant Classification Scheme 2023. Collection method: clinical testing. Allele origin: germline.
Comment: The p.Q894* pathogenic mutation (also known as c.2680C>T), located in coding exon 4 of the MSH6 gene, results from a C to T substitution at nucleotide position 2680. This changes the amino acid from a glutamine to a stop codon within coding exon 4. This mutation has been previously described in a large epithelial ovarian cancer cohort (Song et al. Hum. Mol. Genet. 2014. 23(17):4703-9). In addition to the clinical data presented in the literature, this alteration is expected to result in loss of function by premature protein truncation or nonsense-mediated mRNA decay. As such, this alteration is interpreted as a disease-causing mutation.

Labcorp Genetics (formerly Invitae), Labcorp
Classification: Pathogenic for Hereditary nonpolyposis colorectal neoplasms. Last evaluated: 2021-05-18. Review status: criteria provided, single submitter. Criteria: Invitae Variant Classification Sherloc (09022015). Collection method: clinical testing. Allele origin: germline.
Comment: For these reasons, this variant has been classified as Pathogenic. Loss-of-function variants in MSH6 are known to be pathogenic (PMID: 18269114, 24362816). This variant has been observed in several individuals affected with ovarian and endometrial cancer (PMID: 24728189, Invitae). ClinVar contains an entry for this variant (Variation ID: 237162). This variant is not present in population databases (ExAC no frequency). This sequence change creates a premature translational stop signal (p.Gln894*) in the MSH6 gene. It is expected to result in an absent or disrupted protein product.

Literature cited by the submitters: PubMed 18269114 (cited by Labcorp Genetics (formerly Invitae), Labcorp); PubMed 24362816 (cited by Labcorp Genetics (formerly Invitae), Labcorp); PubMed 24728189 (cited by Labcorp Genetics (formerly Invitae), Labcorp).

NM_000179.3(MSH6):c.2680C>T (p.Gln894Ter)

Gene: MSH6 (mutS homolog 6; plus strand). Cytogenetic location: 2p16.3.
Variant type: single nucleotide variant.
Coding change: c.2680C>T on transcript NM_000179.3 (MANE Select); coding-DNA position 2680, C replaced by T.
Protein change: p.Gln894Ter; replaces glutamine 894 with a stop codon.
Molecular consequence: nonsense.
Genome position (GRCh38, 1-based): chr2:47,800,663, C>T. VCF-style: chr2-47800663-C-T. GRCh37 (hg19) VCF-style: chr2-48027802-C-T.
Other names: c.2290C>T, p.Gln764Ter (NM_001281492.2); c.1774C>T, p.Gln592Ter (NM_001281493.2, NM_001281494.2); short protein forms Q894*, Q592*, Q764*.
Identifiers: ClinVar variation 237162 (VCV000237162.14), dbSNP rs878853718, ClinGen allele CA10582065.
Genomic context (GRCh38, chr2:47,800,663, plus strand): 5'-ATCATGGAAGAAGTTGCTGATGGTTTTAAGTCTAAAATCCTTAAGCAGGTCATCTCTCTG[C>T]AGACAAAAAATCCTGAAGGTCGTTTTCCTGATTTGACTGTAGAATTGAACCGATGGGATA-3'